The following is an entry in ClinVar:

NC_000002.11:g.(?_87013043)_(87017948_?)dup

Gene: CD8A (CD8 subunit alpha; minus strand). Cytogenetic location: 2p11.2.
Variant type: Duplication.
Identifiers: ClinVar variation 2424234 (VCV002424234.3).

ClinVar aggregate classification (germline): Uncertain significance (1 of 4 stars; one submission).

Conditions:
Susceptibility to respiratory infections associated with CD8alpha chain mutation (IMD116). Also called: IMMUNODEFICIENCY 116; Cd8 deficiency, familial. Identifiers: Orphanet 169085, MedGen C1837065, MONDO:0012161, OMIM 608957.

Submission:

Labcorp Genetics (formerly Invitae), Labcorp
Classification: Uncertain significance for Susceptibility to respiratory infections associated with CD8alpha chain mutation. Last evaluated: 2022-09-24. Review status: criteria provided, single submitter. Criteria: Invitae Variant Classification Sherloc (09022015). Collection method: clinical testing. Allele origin: germline.
Comment: A copy number gain of the genomic region encompassing the full coding sequence of the CD8A gene has been identified. The boundaries of this event are unknown as they extend beyond the assayed region for this gene and therefore may encompass additional genes. As the precise location of this event is unknown, it may be in tandem or it may be located elsewhere in the genome. This variant has not been reported in the literature in individuals affected with CD8A-related conditions. In summary, the available evidence is currently insufficient to determine the role of this variant in disease. Therefore, it has been classified as a Variant of Uncertain Significance.